The following is an entry in ClinVar:

NM_000038.6(APC):c.6580_6582del (p.Val2194del)

Gene: APC (APC regulator of Wnt signaling pathway; plus strand). Cytogenetic location: 5q22.2.
Variant type: Deletion.
Coding change: c.6580_6582del on transcript NM_000038.6 (MANE Select); coding-DNA positions 6580 to 6582, 3 bases deleted (GTT; older notation c.6580_6582delGTT).
Protein change: p.Val2194del; deletes valine 2194.
Molecular consequence: inframe deletion.
Genome position (GRCh38, 1-based): chr5:112,842,174-112,842,176, GTT deleted. VCF-style (leftmost placement, unchanged base first): chr5-112842173-AGTT-A. GRCh37 (hg19) VCF-style: chr5-112177870-AGTT-A.
Other names: c.6580_6582del, p.Val2194del (NM_001127510.3, NM_001354895.2); c.6526_6528del, p.Val2176del (NM_001127511.3); c.6634_6636del, p.Val2212del (NM_001354896.2); c.6610_6612del, p.Val2204del (NM_001354897.2); c.6505_6507del, p.Val2169del (NM_001354898.2); c.6496_6498del, p.Val2166del (NM_001354899.2); c.6457_6459del, p.Val2153del (NM_001354900.2); c.6403_6405del, p.Val2135del (NM_001354901.2); and 5 more; short protein forms V1911del, V2093del, V2166del, V2153del, V2176del, V2204del, V2212del, V2034del.
Identifiers: ClinVar variation 1466645 (VCV001466645.8), dbSNP rs2149968133, ClinGen allele CA2573138698.

ClinVar aggregate classification (germline): Uncertain significance (1 of 4 stars; one submission).

Conditions:
Familial adenomatous polyposis 1 (FAP1). Also called: FAMILIAL ADENOMATOUS POLYPOSIS 1, ATTENUATED; POLYPOSIS, ADENOMATOUS INTESTINAL. Identifiers: MedGen C2713442, MONDO:0021056, OMIM 175100. Disease mechanism: loss of function.

Submission:

Labcorp Genetics (formerly Invitae), Labcorp
Classification: Uncertain significance for Familial adenomatous polyposis 1. Last evaluated: 2021-05-13. Review status: criteria provided, single submitter. Criteria: Invitae Variant Classification Sherloc (09022015). Collection method: clinical testing. Allele origin: germline.
Comment: In summary, the available evidence is currently insufficient to determine the role of this variant in disease. Therefore, it has been classified as a Variant of Uncertain Significance. This variant, c.6580_6582del, results in the deletion of 1 amino acid(s) of the APC protein (p.Val2194del), but otherwise preserves the integrity of the reading frame. This variant is not present in population databases (ExAC no frequency). This variant has not been reported in the literature in individuals with APC-related conditions. Experimental studies and prediction algorithms are not available or were not evaluated, and the functional significance of this variant is currently unknown.